The following is an entry in ClinVar:

ClinVar aggregate classification (germline): Uncertain significance. Review status: criteria provided, multiple submitters, no conflicts (2 of 4 stars). 3 submissions from 3 submitters: Uncertain significance (3). Last evaluated 2025-08-09.

Conditions:
Hereditary cancer-predisposing syndrome. Also called: Hereditary neoplastic syndrome; Tumor predisposition; Hereditary Cancer Syndrome; Neoplastic Syndromes, Hereditary. Identifiers: Orphanet 140162, MedGen C0027672, MeSH D009386, MONDO:0015356.
Hereditary breast ovarian cancer syndrome. Also called: BRCA1- and BRCA2-Associated Hereditary Breast and Ovarian Cancer; Hereditary breast and ovarian cancer syndrome (HBOC); Hereditary breast and/or ovarian cancer syndrome; Hereditary breast and ovarian cancer syndrome; Hereditary breast and ovarian cancer; Breast and ovarian cancer. Identifiers: Orphanet 145, MedGen C0677776, MeSH D061325, MONDO:0003582. Disease mechanism: loss of function.

Allele frequency attached by ClinVar (database versions not stated): gnomAD exomes below 0.00001.
gnomAD v4.1: 1 of 1,614,178 alleles (0.000062%); highest among the groups gnomAD compares: Non-Finnish European, 0.000085%; no homozygotes.

Submissions (3):

Labcorp Genetics (formerly Invitae), Labcorp
Classification: Uncertain significance for Hereditary breast ovarian cancer syndrome. Last evaluated: 2025-08-09. Review status: criteria provided, single submitter. Criteria: Invitae Variant Classification Sherloc (09022015). Collection method: clinical testing. Allele origin: germline.
Comment: This sequence change replaces serine, which is neutral and polar, with asparagine, which is neutral and polar, at codon 3275 of the BRCA2 protein (p.Ser3275Asn). This variant is not present in population databases (gnomAD no frequency). This variant has not been reported in the literature in individuals affected with BRCA2-related conditions. ClinVar contains an entry for this variant (Variation ID: 221009). Invitae Evidence Modeling of protein sequence and biophysical properties (such as structural, functional, and spatial information, amino acid conservation, physicochemical variation, residue mobility, and thermodynamic stability) indicates that this missense variant is not expected to disrupt BRCA2 protein function with a negative predictive value of 95%. In summary, the available evidence is currently insufficient to determine the role of this variant in disease. Therefore, it has been classified as a Variant of Uncertain Significance.

Ambry Genetics
Classification: Uncertain significance for Hereditary cancer-predisposing syndrome. Last evaluated: 2025-04-07. Review status: criteria provided, single submitter. Criteria: Ambry Variant Classification Scheme 2023. Collection method: clinical testing. Allele origin: germline.
Comment: The p.S3275N variant (also known as c.9824G>A), located in coding exon 26 of the BRCA2 gene, results from a G to A substitution at nucleotide position 9824. The serine at codon 3275 is replaced by asparagine, an amino acid with highly similar properties. This amino acid position is conserved. In addition, this alteration is predicted to be tolerated by in silico analysis. Based on the available evidence, the clinical significance of this variant remains unclear.

ARUP Laboratories, Molecular Genetics and Genomics, ARUP Laboratories
Classification: Uncertain significance. Last evaluated: 2018-08-20. Review status: criteria provided, single submitter. Criteria: ARUP Molecular Germline Variant Investigation Process. Collection method: clinical testing. Allele origin: germline.
Comment: The BRCA2 c.9824G>A; p.Ser3275Asn variant (rs864622720), to our knowledge, is not reported in the medical literature but is reported in ClinVar (Variation ID: 221009). This variant is absent from general population databases (Exome Variant Server, Genome Aggregation Database), indicating it is not a common polymorphism. The serine at codon 3275 is highly conserved, but computational analyses (SIFT, PolyPhen-2) predict that this variant is tolerated. However, due to limited information, the clinical significance of the p.Ser3275Asn variant is uncertain at this time.

NM_000059.4(BRCA2):c.9824G>A (p.Ser3275Asn)

Gene: BRCA2 (BRCA2 DNA repair associated; plus strand). Cytogenetic location: 13q13.1.
Variant type: single nucleotide variant.
Coding change: c.9824G>A on transcript NM_000059.4 (MANE Select); coding-DNA position 9824, G replaced by A.
Protein change: p.Ser3275Asn; replaces serine 3275 with asparagine.
Molecular consequence: missense variant.
Genome position (GRCh38, 1-based): chr13:32,398,337, G>A. VCF-style: chr13-32398337-G-A. GRCh37 (hg19) VCF-style: chr13-32972474-G-A.
Other names: short protein forms S3275N.
Identifiers: ClinVar variation 221009 (VCV000221009.18), dbSNP rs864622720, ClinGen allele CA350174.